The following is an entry in ClinVar:

ClinVar aggregate classification (germline): Uncertain significance. Review status: criteria provided, multiple submitters, no conflicts (2 of 4 stars). 2 submissions from 2 submitters: Uncertain significance (2). Last evaluated 2024-02-24.

Conditions:
Immunodeficiency 51 (IMD51). Also called: CANDIDIASIS, FAMILIAL, 5. Identifiers: Orphanet 1334, MedGen C4310803, MONDO:0013500, OMIM 613953.

Allele frequency attached by ClinVar (database versions not stated): gnomAD below 0.00001 and 0.00001; TOPMed 0.00001; gnomAD exomes 0.00006 and 0.00010; ExAC 0.00016.
gnomAD v4.1: 84 of 1,614,088 alleles (0.0052%); highest among the groups gnomAD compares: South Asian, 0.09%; 1 homozygote.

Submissions (2):

Labcorp Genetics (formerly Invitae), Labcorp
Classification: Uncertain significance for Immunodeficiency 51. Last evaluated: 2024-02-24. Review status: criteria provided, single submitter. Criteria: Invitae Variant Classification Sherloc (09022015). Collection method: clinical testing. Allele origin: germline.
Comment: This sequence change falls in intron 6 of the IL17RA gene. It does not directly change the encoded amino acid sequence of the IL17RA protein. It affects a nucleotide within the consensus splice site. This variant is present in population databases (rs765670063, gnomAD 0.08%). This variant has not been reported in the literature in individuals affected with IL17RA-related conditions. ClinVar contains an entry for this variant (Variation ID: 340576). Variants that disrupt the consensus splice site are a relatively common cause of aberrant splicing (PMID: 17576681, 9536098). Algorithms developed to predict the effect of sequence changes on RNA splicing suggest that this variant is not likely to affect RNA splicing. In summary, the available evidence is currently insufficient to determine the role of this variant in disease. Therefore, it has been classified as a Variant of Uncertain Significance.

Illumina Laboratory Services, Illumina
Classification: Uncertain significance for Immunodeficiency 51. Last evaluated: 2018-01-13. Review status: criteria provided, single submitter. Criteria: ICSL Variant Classification Criteria 13 December 2019. Collection method: clinical testing. Allele origin: germline.

Literature cited by the submitters: PubMed 17576681 (cited by Labcorp Genetics (formerly Invitae), Labcorp); PubMed 9536098 (cited by Labcorp Genetics (formerly Invitae), Labcorp).

NM_014339.7(IL17RA):c.598+5C>T

Gene: IL17RA (interleukin 17 receptor A; plus strand). Cytogenetic location: 22q11.1.
Variant type: single nucleotide variant.
Coding change: c.598+5C>T on transcript NM_014339.7 (MANE Select); 5 bases into the intron after coding-DNA position 598, C replaced by T.
Molecular consequence: intron variant.
Genome position (GRCh38, 1-based): chr22:17,102,048, C>T. VCF-style: chr22-17102048-C-T. GRCh37 (hg19) VCF-style: chr22-17582938-C-T.
Other names: c.598+5C>T (NM_001289905.2).
Identifiers: ClinVar variation 340576 (VCV000340576.9), dbSNP rs765670063, ClinGen allele CA10086410.
Genomic context (GRCh38, chr22:17,102,048, plus strand): 5'-GTCGACAGACTGTGAGCACGCCAGGATGAAGGTAACCACGCCATGCATGAGCTCAGGTAA[C>T]AGCTGGCCCGGGAGAGCTTTATTTGGATGCATACACATGCACATGTGCGTGCCCCTCCTC-3'